The following is an entry in ClinVar:

ClinVar aggregate classification (germline): Benign. Review status: criteria provided, multiple submitters, no conflicts (2 of 4 stars). 4 submissions from 4 submitters: Benign (4). Last evaluated 2024-07-15.

Conditions:
Seizures, benign familial neonatal, 2. Also called: Benign Neonatal Epilepsy 2; Seizures, benign neonatal, 2; CONVULSIONS, BENIGN FAMILIAL NEONATAL, 2; KCNQ3-Related Benign Familial Neonatal Epilepsy; KCNQ3-Related Self-Limited Familial Neonatal Epilepsy (SLFNE). Identifiers: Orphanet 1949, MedGen C1852581, MONDO:0007366, OMIM 121201.

Allele frequency attached by ClinVar (database versions not stated): TOPMed 0.16338; 1000 Genomes Project 30x 0.11274; gnomAD 0.16480 and 0.16763; 1000 Genomes Project 0.11042; ExAC 0.16978; gnomAD exomes 0.16885 and 0.20571; ESP Exome Variant Server 0.18007.
gnomAD v4.1: 325,057 of 1,610,908 alleles (20%); highest among the groups gnomAD compares: Middle Eastern, 27%; 35,559 homozygotes.

Submissions (4):

Unidad de Genómica Garrahan, Hospital de Pediatría Garrahan
Classification: Benign. Last evaluated: 2024-07-15. Review status: criteria provided, single submitter. Criteria: ACMG Guidelines, 2015. Collection method: clinical testing. Allele origin: germline. Affected: no. Observed: 23 variant alleles.
Comment: This variant is classified as Benign based on local population frequency. This variant was detected in 25% of patients studied in a panel designed for Epileptic and Developmental Encephalopathy and Progressive Myoclonus Epilepsy. Number of patients: 23. Only high quality variants are reported.

Genome-Nilou Lab
Classification: Benign for Seizures, benign familial neonatal, 2. Last evaluated: 2021-08-19. Review status: criteria provided, single submitter. Criteria: ACMG Guidelines, 2015. Collection method: clinical testing. Allele origin: germline. Affected: no.

GeneDx
Classification: Benign. Last evaluated: 2018-06-19. Review status: criteria provided, single submitter. Criteria: GeneDx Variant Classification (06012015). Collection method: clinical testing. Allele origin: germline. Affected: yes.
Comment: This variant is considered likely benign or benign based on one or more of the following criteria: it is a conservative change, it occurs at a poorly conserved position in the protein, it is predicted to be benign by multiple in silico algorithms, and/or has population frequency not consistent with disease.

Breakthrough Genomics
Classification: Benign. Review status: criteria provided, single submitter. Criteria: ACMG Guidelines, 2015. Collection method: not provided. Allele origin: germline. Inheritance: Autosomal dominant inheritance. Affected: yes.

NM_004519.4(KCNQ3):c.1700+29G>A

Gene: KCNQ3 (potassium voltage-gated channel subfamily Q member 3; minus strand). Cytogenetic location: 8q24.22.
Variant type: single nucleotide variant.
Coding change: c.1700+29G>A on transcript NM_004519.4 (MANE Select); 29 bases into the intron after coding-DNA position 1700, G replaced by A.
Molecular consequence: intron variant.
Genome position (GRCh38, 1-based): chr8:132,137,856, C>T on the plus strand (G>A on the coding strand, the complement: KCNQ3 is on the minus strand). VCF-style: chr8-132137856-C-T. GRCh37 (hg19) VCF-style: chr8-133150103-C-T.
Other names: c.1340+29G>A (NM_001204824.2).
Identifiers: ClinVar variation 670883 (VCV000670883.6), dbSNP rs2469515, ClinGen allele CA4880625.